The following is an entry in ClinVar:

ClinVar aggregate classification (germline): Uncertain significance (1 of 4 stars; one submission).

Conditions:
Cystic fibrosis (CF). Also called: MUCOVISCIDOSIS. Identifiers: Orphanet 586, MedGen C0010674, MONDO:0009061, OMIM 219700. Disease mechanism: loss of function.

Submission:

Ambry Genetics
Classification: Uncertain significance for Cystic fibrosis. Last evaluated: 2024-11-09. Review status: criteria provided, single submitter. Criteria: Ambry Variant Classification Scheme 2023. Collection method: clinical testing. Allele origin: germline.
Comment: The p.Q207K variant (also known as c.619C>A), located in coding exon 6 of the CFTR gene, results from a C to A substitution at nucleotide position 619. The glutamine at codon 207 is replaced by lysine, an amino acid with similar properties. This amino acid position is conserved. In addition, this alteration is predicted to be deleterious by in silico analysis. Since supporting evidence is limited at this time, the clinical significance of this alteration remains unclear.

NM_000492.4(CFTR):c.619C>A (p.Gln207Lys)

Gene: CFTR (CF transmembrane conductance regulator; plus strand). Cytogenetic location: 7q31.2.
Variant type: single nucleotide variant.
Coding change: c.619C>A on transcript NM_000492.4 (MANE Select); coding-DNA position 619, C replaced by A.
Protein change: p.Gln207Lys; replaces glutamine 207 with lysine.
Molecular consequence: missense variant.
Genome position (GRCh38, 1-based): chr7:117,535,287, C>A. VCF-style: chr7-117535287-C-A. GRCh37 (hg19) VCF-style: chr7-117175341-C-A.
Other names: short protein forms Q207K.
Identifiers: ClinVar variation 1752147 (VCV001752147.3), dbSNP rs397508771, ClinGen allele CA368976845.